The following is an entry in ClinVar:

NM_006502.3(POLH):c.112C>G (p.Gln38Glu)

Gene: POLH (DNA polymerase eta; plus strand). Cytogenetic location: 6p21.1.
Variant type: single nucleotide variant.
Coding change: c.112C>G on transcript NM_006502.3 (MANE Select); coding-DNA position 112, C replaced by G.
Protein change: p.Gln38Glu; replaces glutamine 38 with glutamic acid.
Molecular consequence: missense variant. On other transcripts: intron variant (1).
Genome position (GRCh38, 1-based): chr6:43,582,431, C>G. VCF-style: chr6-43582431-C-G. GRCh37 (hg19) VCF-style: chr6-43550168-C-G.
Other names: c.112C>G, p.Gln38Glu (NM_001291970.2); c.-17-576C>G (NM_001291969.2); short protein forms Q38E.
Identifiers: ClinVar variation 1692919 (VCV001692919.1), dbSNP rs2127773194, ClinGen allele CA364273016.
Genomic context (GRCh38, chr6:43,582,431, plus strand): 5'-TTTGTTCAAGTGGAGCAGCGGCAAAATCCTCATTTGAGGAATAAACCTTGTGCAGTTGTA[C>G]AGTACAAATCATGGAAGGGTGGTGGGTATGTATCATTGTTATTGTCACAACTATTCAATG-3'
Protein context (NP_006493.1, residues 28-48): HLRNKPCAVV[Gln38Glu]YKSWKGGGII

ClinVar aggregate classification (germline): Uncertain significance (1 of 4 stars; one submission).

Conditions:
Xeroderma pigmentosum (XP). Identifiers: Orphanet 910, MedGen C0043346, MONDO:0019600.

Allele frequency attached by ClinVar (database versions not stated): gnomAD exomes below 0.00001.
gnomAD v4.1: 1 of 1,613,928 alleles (0.000062%); highest among the groups gnomAD compares: Non-Finnish European, 0.000085%; no homozygotes.

Submission:

Sema4
Classification: Uncertain significance for Xeroderma pigmentosum. Last evaluated: 2021-10-19. Review status: criteria provided, single submitter. Criteria: Sema4 Curation Guidelines. Collection method: curation. Allele origin: germline.
Comment: The POLH c.112C>G (p.Q38E) variant has not been reported in the literature to our knowledge. It was not observed in the large and broad cohorts of the Genome Aggregation Database. The variant has not been reported in ClinVar. Functional studies have not been performed, and in silico predictions of the variant's effect on protein function are inconclusive. The evidence is insufficient to meet ACMG/AMP criteria for classifying the variant as benign or pathogenic. Thus, the clinical significance of this variant is currently uncertain.